The following is an entry in ClinVar:

NM_198282.4(STING1):c.946+5G>A

Gene: STING1 (stimulator of interferon response cGAMP interactor 1; minus strand). Cytogenetic location: 5q31.2.
Variant type: single nucleotide variant.
Coding change: c.946+5G>A on transcript NM_198282.4 (MANE Select); 5 bases into the intron after coding-DNA position 946, G replaced by A.
Molecular consequence: intron variant.
Genome position (GRCh38, 1-based): chr5:139,477,324, C>T on the plus strand (G>A on the coding strand, the complement: STING1 is on the minus strand). VCF-style: chr5-139477324-C-T. GRCh37 (hg19) VCF-style: chr5-138856909-C-T.
Other names: c.589+5G>A (NM_001367258.1); c.760-870G>A (NM_001301738.2).
Identifiers: ClinVar variation 2157445 (VCV002157445.4), dbSNP rs776838039, ClinGen allele CA3435286.

ClinVar aggregate classification (germline): Uncertain significance (1 of 4 stars; one submission).

Conditions:
STING-associated vasculopathy with onset in infancy. Also called: Sting-associated vasculopathy, infantile-onset. Identifiers: Orphanet 425120, MedGen C4014722, MONDO:0014405, OMIM 615934.

Allele frequency attached by ClinVar (database versions not stated): gnomAD 0.00002; TOPMed 0.00002; ExAC 0.00008.
gnomAD v4.1: 24 of 1,613,192 alleles (0.0015%); highest among the groups gnomAD compares: Middle Eastern, 0.017%; no homozygotes.

Submission:

Labcorp Genetics (formerly Invitae), Labcorp
Classification: Uncertain significance for STING-associated vasculopathy with onset in infancy. Last evaluated: 2023-01-24. Review status: criteria provided, single submitter. Criteria: Invitae Variant Classification Sherloc (09022015). Collection method: clinical testing. Allele origin: germline.
Comment: This sequence change falls in intron 7 of the TMEM173 gene. It does not directly change the encoded amino acid sequence of the TMEM173 protein. It affects a nucleotide within the consensus splice site. This variant is present in population databases (rs776838039, gnomAD 0.008%). This variant has not been reported in the literature in individuals affected with TMEM173-related conditions. Variants that disrupt the consensus splice site are a relatively common cause of aberrant splicing (PMID: 17576681, 9536098). Algorithms developed to predict the effect of sequence changes on RNA splicing suggest that this variant may disrupt the consensus splice site. In summary, the available evidence is currently insufficient to determine the role of this variant in disease. Therefore, it has been classified as a Variant of Uncertain Significance.

Literature cited by the submitters: PubMed 17576681; PubMed 9536098.